The following is an entry in ClinVar:

ClinVar aggregate classification (germline): Uncertain significance. Review status: criteria provided, multiple submitters, no conflicts (2 of 4 stars). 4 submissions from 4 submitters: Uncertain significance (4). Last evaluated 2025-08-23.

Conditions:
Inborn genetic diseases. Identifiers: MedGen C0950123, MeSH D030342.
Familial infantile myasthenia (CMS6). Also called: MYASTHENIC SYNDROME, CONGENITAL, 6, PRESYNAPTIC; MYASTHENIC SYNDROME, PRESYNAPTIC, CONGENITAL, ASSOCIATED WITH EPISODIC APNEA; Congenital myasthenic syndrome type 6. Identifiers: Orphanet 590, MedGen C0393929, MONDO:0009689, OMIM 254210.

Allele frequency attached by ClinVar (database versions not stated): ExAC 0.00002; gnomAD 0.00003 and 0.00004; TOPMed 0.00003; gnomAD exomes 0.00004.
gnomAD v4.1: 66 of 1,613,888 alleles (0.0041%); highest among the groups gnomAD compares: Non-Finnish European, 0.0054%; no homozygotes.

Submissions (4):

Ambry Genetics
Classification: Uncertain significance for Inborn genetic diseases. Last evaluated: 2025-08-23. Review status: criteria provided, single submitter. Criteria: Ambry Variant Classification Scheme 2023. Collection method: clinical testing. Allele origin: germline.

Labcorp Genetics (formerly Invitae), Labcorp
Classification: Uncertain significance for Familial infantile myasthenia. Last evaluated: 2021-08-27. Review status: criteria provided, single submitter. Criteria: Invitae Variant Classification Sherloc (09022015). Collection method: clinical testing. Allele origin: germline.
Comment: This sequence change replaces valine with methionine at codon 591 of the CHAT protein (p.Val591Met). The valine residue is moderately conserved and there is a small physicochemical difference between valine and methionine. This variant is present in population databases (rs201485243, ExAC 0.005%). This variant has not been reported in the literature in individuals affected with CHAT-related conditions. Algorithms developed to predict the effect of missense changes on protein structure and function output the following: SIFT: "Tolerated"; PolyPhen-2: "Benign"; Align-GVGD: "Class C0". The methionine amino acid residue is found in multiple mammalian species, which suggests that this missense change does not adversely affect protein function. In summary, the available evidence is currently insufficient to determine the role of this variant in disease. Therefore, it has been classified as a Variant of Uncertain Significance.

Revvity Omics, Revvity
Classification: Uncertain significance for Familial infantile myasthenia. Last evaluated: 2019-01-10. Review status: criteria provided, single submitter. Criteria: ACMG Guidelines, 2015. Collection method: clinical testing. Allele origin: germline.

Eurofins Ntd Llc (ga)
Classification: Uncertain significance. Last evaluated: 2014-11-17. Review status: criteria provided, single submitter. Criteria: EGL Classification Definitions 2015. Collection method: clinical testing. Allele origin: germline. Observed: 1 variant allele, 1 heterozygote.

NM_020549.5(CHAT):c.1771G>A (p.Val591Met)

Gene: CHAT (choline O-acetyltransferase; plus strand). Cytogenetic location: 10q11.23.
Variant type: single nucleotide variant.
Coding change: c.1771G>A on transcript NM_020549.5 (MANE Select); coding-DNA position 1771, G replaced by A.
Protein change: p.Val591Met; replaces valine 591 with methionine.
Molecular consequence: missense variant.
Genome position (GRCh38, 1-based): chr10:49,655,231, G>A. VCF-style: chr10-49655231-G-A. GRCh37 (hg19) VCF-style: chr10-50863277-G-A.
Other names: c.1417G>A, p.Val473Met (NM_001142929.2, NM_001142934.2, NM_020984.4 and 2 more transcripts); c.1525G>A, p.Val509Met (NM_001142933.2); short protein forms V473M, V591M, V509M.
Identifiers: ClinVar variation 194108 (VCV000194108.14), dbSNP rs201485243, ClinGen allele CA239932.